The following is an entry in ClinVar:

ClinVar aggregate classification (germline): Uncertain significance (1 of 4 stars; one submission).

Conditions:
LEPR-related disorder. Also called: LEPR-related condition; LEPR-related disorders.

Allele frequency attached by ClinVar (database versions not stated): gnomAD 0.00003.

Submission:

PreventionGenetics, part of Exact Sciences
Classification: Uncertain significance for LEPR-related condition. Last evaluated: 2025-10-31. Review status: criteria provided, single submitter. Criteria: ACMG Guidelines, 2015. Collection method: clinical testing. Allele origin: germline.
Comment: The LEPR c.3056C>T variant is predicted to result in the amino acid substitution p.Pro1019Leu. To our knowledge, this variant has not been reported in the literature. This variant is reported in 0.0057% of alleles in individuals of Latino descent in gnomAD. At this time, the clinical significance of this variant is uncertain due to the absence of conclusive functional and genetic evidence.

NM_002303.6(LEPR):c.3056C>T (p.Pro1019Leu)

Gene: LEPR (leptin receptor; plus strand). Cytogenetic location: 1p31.3.
Variant type: single nucleotide variant.
Coding change: c.3056C>T on transcript NM_002303.6 (MANE Select); coding-DNA position 3056, C replaced by T.
Protein change: p.Pro1019Leu; replaces proline 1019 with leucine.
Molecular consequence: missense variant.
Genome position (GRCh38, 1-based): chr1:65,636,573, C>T. VCF-style: chr1-65636573-C-T. GRCh37 (hg19) VCF-style: chr1-66102256-C-T.
Other names: short protein forms P1019L.
Identifiers: ClinVar variation 2629258 (VCV002629258.2), dbSNP rs770114557, ClinGen allele CA340689403.